The following is an entry in ClinVar:

ClinVar aggregate classification (germline): Uncertain significance. Review status: criteria provided, multiple submitters, no conflicts (2 of 4 stars). 4 submissions from 4 submitters: Uncertain significance (4). Last evaluated 2026-02-19.

Conditions:
CDKN1B-related disorder. Also called: CDKN1B-related condition.
Hereditary cancer-predisposing syndrome. Also called: Tumor predisposition; Hereditary neoplastic syndrome; Neoplastic Syndromes, Hereditary; Hereditary Cancer Syndrome. Identifiers: Orphanet 140162, MedGen C0027672, MeSH D009386, MONDO:0015356.
Multiple endocrine neoplasia type 4. Also called: MULTIPLE ENDOCRINE NEOPLASIA, TYPE IV. Identifiers: Orphanet 276152, MedGen C1970712, MONDO:0012552, OMIM 610755.

Allele frequency attached by ClinVar (database versions not stated): gnomAD exomes below 0.00001; TOPMed 0.00001.
gnomAD v4.1: 6 of 1,614,248 alleles (0.00037%); highest among the groups gnomAD compares: Middle Eastern, 0.066%; no homozygotes.

Submissions (4):

PreventionGenetics, part of Exact Sciences
Classification: Uncertain significance for CDKN1B-related condition. Last evaluated: 2026-02-19. Review status: criteria provided, single submitter. Criteria: ACMG Guidelines, 2015. Collection method: clinical testing. Allele origin: germline.
Comment: The CDKN1B c.199C>G variant is predicted to result in the amino acid substitution p.His67Asp. To our knowledge, this variant has not been reported in the literature or in a large population database (gnomAD), indicating this variant is rare. This variant is interpreted as uncertain in ClinVar (Variation ID: 1045581). At this time, the clinical significance of this variant is uncertain due to the absence of conclusive functional and genetic evidence.

Labcorp Genetics (formerly Invitae), Labcorp
Classification: Uncertain significance for Multiple endocrine neoplasia type 4. Last evaluated: 2025-07-25. Review status: criteria provided, single submitter. Criteria: Invitae Variant Classification Sherloc (09022015). Collection method: clinical testing. Allele origin: germline.
Comment: This sequence change replaces histidine, which is basic and polar, with aspartic acid, which is acidic and polar, at codon 67 of the CDKN1B protein (p.His67Asp). This variant is not present in population databases (gnomAD no frequency). This variant has not been reported in the literature in individuals affected with CDKN1B-related conditions. ClinVar contains an entry for this variant (Variation ID: 1045581). An algorithm developed to predict the effect of missense changes on protein structure and function (PolyPhen-2) suggests that this variant is likely to be tolerated. In summary, the available evidence is currently insufficient to determine the role of this variant in disease. Therefore, it has been classified as a Variant of Uncertain Significance.

Ambry Genetics
Classification: Uncertain significance for Hereditary cancer-predisposing syndrome. Last evaluated: 2024-06-30. Review status: criteria provided, single submitter. Criteria: Ambry Variant Classification Scheme 2023. Collection method: clinical testing. Allele origin: germline.
Comment: The p.H67D variant (also known as c.199C>G), located in coding exon 1 of the CDKN1B gene, results from a C to G substitution at nucleotide position 199. The histidine at codon 67 is replaced by aspartic acid, an amino acid with similar properties. This amino acid position is conserved. In addition, the in silico prediction for this alteration is inconclusive. Since supporting evidence is limited at this time, the clinical significance of this alteration remains unclear.

GeneDx
Classification: Uncertain significance. Last evaluated: 2023-10-26. Review status: criteria provided, single submitter. Criteria: GeneDx Variant Classification Process June 2021. Collection method: clinical testing. Allele origin: germline.
Comment: Not observed at significant frequency in large population cohorts (gnomAD); In silico analysis supports that this missense variant does not alter protein structure/function; Has not been previously published as pathogenic or benign to our knowledge

NM_004064.5(CDKN1B):c.199C>G (p.His67Asp)

Gene: CDKN1B (cyclin dependent kinase inhibitor 1B; plus strand). Cytogenetic location: 12p13.1.
Variant type: single nucleotide variant.
Coding change: c.199C>G on transcript NM_004064.5 (MANE Select); coding-DNA position 199, C replaced by G.
Protein change: p.His67Asp; replaces histidine 67 with aspartic acid.
Molecular consequence: missense variant.
Genome position (GRCh38, 1-based): chr12:12,718,038, C>G. VCF-style: chr12-12718038-C-G. GRCh37 (hg19) VCF-style: chr12-12870972-C-G.
Other names: c.199C>G (NM_004064.4); short protein forms H67D.
Identifiers: ClinVar variation 1045581 (VCV001045581.13), dbSNP rs867208075, ClinGen allele CA233059900.